The following is an entry in ClinVar:

ClinVar aggregate classification (germline): Uncertain significance. Review status: criteria provided, multiple submitters, no conflicts (2 of 4 stars). 3 submissions from 3 submitters: Uncertain significance (3). Last evaluated 2026-05-26.

Conditions:
Autosomal recessive limb-girdle muscular dystrophy type 2L (LGMDR12). Also called: MUSCULAR DYSTROPHY, LIMB-GIRDLE, AUTOSOMAL RECESSIVE 12; Limb-girdle muscular dystrophy, type 2L; Limb-Girdle Muscular Dystrophy R12 Anoctamin-5-Related (LGMD-R12). Identifiers: Orphanet 206549, MedGen C1969785, MONDO:0012652, OMIM 611307.
Gnathodiaphyseal dysplasia (GDD). Also called: GNATHODIAPHYSEAL SCLEROSIS; OSTEOGENESIS IMPERFECTA WITH UNUSUAL SKELETAL LESIONS. Identifiers: Orphanet 53697, MedGen C1833736, MONDO:0008151, OMIM 166260.
Inborn genetic diseases. Identifiers: MedGen C0950123, MeSH D030342.

Allele frequency attached by ClinVar (database versions not stated): TOPMed below 0.00001; gnomAD 0.00001; gnomAD exomes 0.00001.
gnomAD v4.1: 14 of 1,613,164 alleles (0.00087%); highest among the groups gnomAD compares: Non-Finnish European, 0.0011%; no homozygotes.

Submissions (3):

Ambry Genetics
Classification: Uncertain significance for Inborn genetic diseases. Last evaluated: 2026-05-26. Review status: criteria provided, single submitter. Criteria: Ambry Variant Classification Scheme 2023. Collection method: clinical testing. Allele origin: germline.
Comment: The c.1318A>G (p.N440D) alteration is located in exon 13 (coding exon 13) of the ANO5 gene. This alteration results from a A to G substitution at nucleotide position 1318, causing the asparagine (N) at amino acid position 440 to be replaced by an aspartic acid (D). Based on data from gnomAD, the G allele has an overall frequency of 0.003% (1/31362) total alleles studied. The highest observed frequency was 0.007% (1/15414) of European (non-Finnish) alleles. Based on insufficient or conflicting evidence, the clinical significance of this alteration remains unclear.

Labcorp Genetics (formerly Invitae), Labcorp
Classification: Uncertain significance for Autosomal recessive limb-girdle muscular dystrophy type 2L; Gnathodiaphyseal dysplasia. Last evaluated: 2022-07-16. Review status: criteria provided, single submitter. Criteria: Invitae Variant Classification Sherloc (09022015). Collection method: clinical testing. Allele origin: germline.
Comment: This sequence change replaces asparagine, which is neutral and polar, with aspartic acid, which is acidic and polar, at codon 440 of the ANO5 protein (p.Asn440Asp). This variant is present in population databases (no rsID available, gnomAD 0.007%). This variant has not been reported in the literature in individuals affected with ANO5-related conditions. ClinVar contains an entry for this variant (Variation ID: 1015999). Algorithms developed to predict the effect of missense changes on protein structure and function are either unavailable or do not agree on the potential impact of this missense change (SIFT: "Tolerated"; PolyPhen-2: "Possibly Damaging"; Align-GVGD: "Class C0"). Algorithms developed to predict the effect of sequence changes on RNA splicing suggest that this variant may create or strengthen a splice site. In summary, the available evidence is currently insufficient to determine the role of this variant in disease. Therefore, it has been classified as a Variant of Uncertain Significance.

Blueprint Genetics
Classification: Uncertain significance. Last evaluated: 2020-01-09. Review status: criteria provided, single submitter. Criteria: ACMG Guidelines, 2015. Collection method: clinical testing. Allele origin: germline.

NM_213599.3(ANO5):c.1318A>G (p.Asn440Asp)

Gene: ANO5 (anoctamin 5; plus strand). Cytogenetic location: 11p14.3.
Variant type: single nucleotide variant.
Coding change: c.1318A>G on transcript NM_213599.3 (MANE Select); coding-DNA position 1318, A replaced by G.
Protein change: p.Asn440Asp; replaces asparagine 440 with aspartic acid.
Molecular consequence: missense variant.
Genome position (GRCh38, 1-based): chr11:22,255,508, A>G. VCF-style: chr11-22255508-A-G. GRCh37 (hg19) VCF-style: chr11-22277054-A-G.
Other names: c.1315A>G, p.Asn439Asp (NM_001142649.2); c.1318A>G (NM_213599.2); short protein forms N439D, N440D.
Identifiers: ClinVar variation 1015999 (VCV001015999.11), dbSNP rs1205351330, ClinGen allele CA379921664.